The following is an entry in ClinVar:

ClinVar aggregate classification (germline): Uncertain significance (1 of 4 stars; one submission).

Allele frequency attached by ClinVar (database versions not stated): TOPMed 0.00002.

Submission:

Labcorp Genetics (formerly Invitae), Labcorp
Classification: Uncertain significance. Last evaluated: 2022-02-06. Review status: criteria provided, single submitter. Criteria: Invitae Variant Classification Sherloc (09022015). Collection method: clinical testing. Allele origin: germline.
Comment: This variant is not present in population databases (gnomAD no frequency). In summary, the available evidence is currently insufficient to determine the role of this variant in disease. Therefore, it has been classified as a Variant of Uncertain Significance. Algorithms developed to predict the effect of sequence changes on RNA splicing suggest that this variant may create or strengthen a splice site. Algorithms developed to predict the effect of missense changes on protein structure and function (SIFT, PolyPhen-2, Align-GVGD) all suggest that this variant is likely to be tolerated. This variant has not been reported in the literature in individuals affected with RP1-related conditions. This sequence change replaces isoleucine, which is neutral and non-polar, with valine, which is neutral and non-polar, at codon 964 of the RP1 protein (p.Ile964Val).

NM_006269.2(RP1):c.2890A>G (p.Ile964Val)

Gene: RP1 (RP1 axonemal microtubule associated; plus strand). Cytogenetic location: 8q12.1.
Variant type: single nucleotide variant.
Coding change: c.2890A>G on transcript NM_006269.2 (MANE Select); coding-DNA position 2890, A replaced by G.
Protein change: p.Ile964Val; replaces isoleucine 964 with valine.
Molecular consequence: missense variant. On other transcripts: intron variant (1).
Genome position (GRCh38, 1-based): chr8:54,626,772, A>G. VCF-style: chr8-54626772-A-G. GRCh37 (hg19) VCF-style: chr8-55539332-A-G.
Other names: c.787+4484A>G (NM_001375654.1); short protein forms I964V.
Identifiers: ClinVar variation 2093699 (VCV002093699.4), dbSNP rs1291795198, ClinGen allele CA370994848.